The following is an entry in ClinVar:

NM_001184880.2(PCDH19):c.2786C>T (p.Thr929Ile)

Gene: PCDH19 (protocadherin 19; minus strand). Cytogenetic location: Xq22.1.
Variant type: single nucleotide variant.
Coding change: c.2786C>T on transcript NM_001184880.2 (MANE Select); coding-DNA position 2786, C replaced by T.
Protein change: p.Thr929Ile; replaces threonine 929 with isoleucine.
Molecular consequence: missense variant.
Genome position (GRCh38, 1-based): chrX:100,341,965, G>A on the plus strand (C>T on the coding strand, the complement: PCDH19 is on the minus strand). VCF-style: chrX-100341965-G-A. GRCh37 (hg19) VCF-style: chrX-99596963-G-A.
Other names: c.2786C>T (NM_001184880.1); c.2645C>T, p.Thr882Ile (NM_001105243.2); c.2642C>T, p.Thr881Ile (NM_020766.3); short protein forms T882I, T929I, T881I.
Identifiers: ClinVar variation 1501914 (VCV001501914.9), dbSNP rs370150093, ClinGen allele CA333821204.

ClinVar aggregate classification (germline): Uncertain significance. Review status: criteria provided, multiple submitters, no conflicts (2 of 4 stars). 2 submissions from 2 submitters: Uncertain significance (2). Last evaluated 2025-02-26.

Conditions:
PCDH19-related disorder. Also called: PCDH19-related condition.
Developmental and epileptic encephalopathy, 9 (DEE9). Also called: Early infantile epileptic encephalopathy 9; JUBERG-HELLMAN SYNDROME; EPILEPSY, FEMALE-RESTRICTED, WITH MENTAL RETARDATION; PCDH19-Related X-Linked Female-Limited Epilepsy with Mental Retardation. Identifiers: Orphanet 101039, Orphanet 2076, MedGen C1848137, MONDO:0010246, OMIM 300088. Disease mechanism: loss of function.

Allele frequency attached by ClinVar (database versions not stated): gnomAD 0.00001; gnomAD exomes 0.00001; ESP Exome Variant Server 0.00010.
gnomAD v4.1: 7 of 1,207,496 alleles (0.00058%); highest among the groups gnomAD compares: Non-Finnish European, 0.00078%; no homozygotes.

Submissions (2):

Labcorp Genetics (formerly Invitae), Labcorp
Classification: Uncertain significance for Developmental and epileptic encephalopathy, 9. Last evaluated: 2025-02-26. Review status: criteria provided, single submitter. Criteria: Invitae Variant Classification Sherloc (09022015). Collection method: clinical testing. Allele origin: germline.
Comment: This sequence change replaces threonine, which is neutral and polar, with isoleucine, which is neutral and non-polar, at codon 929 of the PCDH19 protein (p.Thr929Ile). This variant is present in population databases (rs370150093, gnomAD 0.009%). This variant has not been reported in the literature in individuals affected with PCDH19-related conditions. ClinVar contains an entry for this variant (Variation ID: 1501914). Invitae Evidence Modeling of protein sequence and biophysical properties (such as structural, functional, and spatial information, amino acid conservation, physicochemical variation, residue mobility, and thermodynamic stability) indicates that this missense variant is not expected to disrupt PCDH19 protein function with a negative predictive value of 95%. In summary, the available evidence is currently insufficient to determine the role of this variant in disease. Therefore, it has been classified as a Variant of Uncertain Significance.

PreventionGenetics, part of Exact Sciences
Classification: Uncertain significance for PCDH19-related condition. Last evaluated: 2023-02-09. Review status: criteria provided, single submitter. Criteria: ACMG Guidelines, 2015. Collection method: clinical testing. Allele origin: germline.
Comment: The PCDH19 c.2786C>T variant is predicted to result in the amino acid substitution p.Thr929Ile. To our knowledge, this variant has not been reported in the literature. This variant is reported in 0.0092% of alleles in individuals of European (Non-Finnish) descent in gnomAD. At this time, the clinical significance of this variant is uncertain due to the absence of conclusive functional and genetic evidence.